The following is an entry in ClinVar:

ClinVar aggregate classification (germline): Uncertain significance (1 of 4 stars; one submission).

Submission:

Labcorp Genetics (formerly Invitae), Labcorp
Classification: Uncertain significance. Last evaluated: 2020-11-22. Review status: criteria provided, single submitter. Criteria: Invitae Variant Classification Sherloc (09022015). Collection method: clinical testing. Allele origin: germline.
Comment: This sequence change replaces proline with serine at codon 1675 of the KIAA1549 protein (p.Pro1675Ser). The proline residue is highly conserved and there is a moderate physicochemical difference between proline and serine. Algorithms developed to predict the effect of missense changes on protein structure and function (SIFT, PolyPhen-2, Align-GVGD) all suggest that this variant is likely to be disruptive, but these predictions have not been confirmed by published functional studies and their clinical significance is uncertain. This variant has not been reported in the literature in individuals with KIAA1549-related conditions. This variant is not present in population databases (ExAC no frequency). In summary, the available evidence is currently insufficient to determine the role of this variant in disease. Therefore, it has been classified as a Variant of Uncertain Significance.

NM_001164665.2(KIAA1549):c.5023C>T (p.Pro1675Ser)

Gene: KIAA1549 (KIAA1549; minus strand). Cytogenetic location: 7q34.
Variant type: single nucleotide variant.
Coding change: c.5023C>T on transcript NM_001164665.2 (MANE Select); coding-DNA position 5023, C replaced by T.
Protein change: p.Pro1675Ser; replaces proline 1675 with serine.
Molecular consequence: missense variant.
Genome position (GRCh38, 1-based): chr7:138,861,363, G>A on the plus strand (C>T on the coding strand, the complement: KIAA1549 is on the minus strand). VCF-style: chr7-138861363-G-A. GRCh37 (hg19) VCF-style: chr7-138546109-G-A.
Other names: c.5023C>T, p.Pro1675Ser (NM_020910.3); short protein forms P1675S.
Identifiers: ClinVar variation 1462741 (VCV001462741.7), dbSNP rs2130366572, ClinGen allele CA369394630.
Genomic context (GRCh38, chr7:138,861,363, plus strand): 5'-AGGCGTCGTCCAGGAGGGAGTGCATGGTCTGGCGTGCCTCCTCGATGGACGGCTGGGGTG[G>A]GATGTACTGGGAGGCCGGGAAGGGAAGGGCTGGATACCTCCCCAGTTCCACCGAGGATGG-3'
Protein context (NP_001158137.1, residues 1665-1685): ALPFPASQYI[Pro1675Ser]PQPSIEEARQ